The following is an entry in ClinVar:

ClinVar aggregate classification (germline): Uncertain significance (1 of 4 stars; one submission).

gnomAD v4.1: 14 of 1,539,094 alleles (0.00091%); highest among the groups gnomAD compares: Non-Finnish European, 0.0011%; no homozygotes.

Submission:

GeneDx
Classification: Uncertain significance. Last evaluated: 2024-08-05. Review status: criteria provided, single submitter. Criteria: GeneDx Variant Classification Process June 2021. Collection method: clinical testing. Allele origin: germline. Affected: yes.
Comment: Not observed at significant frequency in large population cohorts (gnomAD); In silico analysis indicates that this missense variant does not alter protein structure/function; Has not been previously published as pathogenic or benign to our knowledge

NM_001145026.2(PTPRQ):c.118A>G (p.Thr40Ala)

Gene: PTPRQ (protein tyrosine phosphatase receptor type Q; plus strand). Cytogenetic location: 12q21.31.
Variant type: single nucleotide variant.
Coding change: c.118A>G on transcript NM_001145026.2 (MANE Select); coding-DNA position 118, A replaced by G.
Protein change: p.Thr40Ala; replaces threonine 40 with alanine.
Molecular consequence: missense variant.
Genome position (GRCh38, 1-based): chr12:80,444,804, A>G. VCF-style: chr12-80444804-A-G. GRCh37 (hg19) VCF-style: chr12-80838584-A-G.
Other names: short protein forms T40A.
Identifiers: ClinVar variation 3603051 (VCV003603051.1).